The following is an entry in ClinVar:

NR_033294.2(SNORD118):n.3C>T

Genes: SNORD118 (small nucleolar RNA, C/D box 118; minus strand), TMEM107 (transmembrane protein 107; minus strand). Cytogenetic location: 17p13.1.
Variant type: single nucleotide variant.
Molecular consequence: non-coding transcript variant (on NR_033294.2). On other transcripts: 3 prime UTR variant (5).
Genome position: GRCh38 VCF-style: chr17-8173586-G-A. GRCh37 (hg19) VCF-style: chr17-8076904-G-A.
Other names: c.*617C>T (NM_001351278.2, NM_001351279.2, NM_001351280.2 and 3 more transcripts).
Identifiers: ClinVar variation 522851 (VCV000522851.47), dbSNP rs117735243, ClinGen allele CA8370844.
Genomic context (GRCh38, chr17:8,173,586, plus strand): 5'-AATCATCATGTTCTAATCTGCCCTCCGGAGGAGGAACAGGTAAGGATTATCCCACCTGAC[G>A]ATACAGACAAACAGCCGACATTCTGCACTCAGTGAAAAAGATTCCGTTACAAGCTAGGGT-3'

ClinVar aggregate classification (germline): Conflicting classifications of pathogenicity. Review status: criteria provided, conflicting classifications (1 of 4 stars). 7 submissions from 7 submitters: Uncertain significance (4); Benign (1); Likely benign (1). 1 of the submissions does not count toward it. Last evaluated 2026-04-10.

Conditions:
Leukoencephalopathy with calcifications and cysts. Also called: Leukoencephalopathy, brain calcifications, and cysts; LABRUNE SYNDROME. Identifiers: Orphanet 542310, MedGen C3281200, MONDO:0013803, OMIM 614561.
TMEM107-related disorder. Also called: TMEM107-related condition.

Allele frequency attached by ClinVar (database versions not stated): TOPMed 0.00092; ESP Exome Variant Server 0.00105; 1000 Genomes Project 0.00160; 1000 Genomes Project 30x 0.00187.
gnomAD v4.1: 1,034 of 764,050 alleles (0.14%); highest among the groups gnomAD compares: East Asian, 0.25%; 4 homozygotes.

Submissions (7):

PreventionGenetics, part of Exact Sciences
Classification: Uncertain significance for TMEM107-related condition. Last evaluated: 2026-04-10. Review status: criteria provided, single submitter. Criteria: ACMG Guidelines, 2015. Collection method: clinical testing. Allele origin: germline.
Comment: The TMEM107 c.*617C>T variant is located in the 3' untranslated region. This variant occurs in the SNORD118 gene, which encodes a non-protein-coding RNA molecule. It has been reported in the compound heterozygous state in several individuals with leukoencephalopathy with calcifications and cysts, with ages at presentation ranging from childhood to young adulthood (Jenkinson et al. 2016. PubMed ID: 27571260; Crow et al. 2020. PubMed ID: 33029936). Functional studies suggest this variant results in aberrant processing of the precursor U8 (Badrock et al. 2020. PubMed ID: 32359472). This variant is reported in 0.65% of alleles in individuals of European (Finnish) descent in gnomAD. This variant has conflicting classifications listed in ClinVar ranging from benign to pathogenic (Variation ID: 522851). At this time, the clinical significance of this variant is uncertain due to the absence of conclusive functional and genetic evidence.

CeGaT Center for Human Genetics Tuebingen
Classification: Likely benign. Last evaluated: 2026-02-01. Review status: criteria provided, single submitter. Criteria: CeGaT Center For Human Genetics Tuebingen Variant Classification Criteria Version 2. Collection method: clinical testing. Allele origin: germline. Affected: yes. Observed: 6 variant alleles.
Comment: SNORD118: BS2

Labcorp Genetics (formerly Invitae), Labcorp
Classification: Benign. Last evaluated: 2025-10-22. Review status: criteria provided, single submitter. Criteria: Invitae Variant Classification Sherloc (09022015). Collection method: clinical testing. Allele origin: germline.

GeneDx
Classification: Uncertain significance. Last evaluated: 2025-09-05. Review status: criteria provided, single submitter. Criteria: GeneDx Variant Classification Process June 2021. Collection method: clinical testing. Allele origin: germline. Affected: yes.
Comment: Changes a conserved or moderately conserved Watson-Crick match, which is predicted to affect secondary structure/function; Located in a non-coding RNA; Also known as n.3C>T; This variant is associated with the following publications: (PMID: 37547187, 33029936, 34220662, Saavedra2025[CaseReport], 31521395, 28177126, 27571260, 36237624)

Blueprint Genetics
Classification: Uncertain significance. Last evaluated: 2024-11-19. Review status: criteria provided, single submitter. Criteria: ACMG Guidelines, 2015. Collection method: clinical testing. Allele origin: germline.

Undiagnosed Diseases Network, NIH
Classification: Uncertain significance for Leukoencephalopathy with calcifications and cysts. Last evaluated: 2018-03-12. Review status: criteria provided, single submitter. Criteria: ACMG Guidelines, 2015. Collection method: clinical testing. Allele origin: paternal. Inheritance: Autosomal recessive inheritance. Affected: yes. Observed: 1 variant allele, 1 compound heterozygote.

Laboratory of Neurogenetics and Neuroinflammation, Institut Imagine
Classification: Pathogenic for Leukoencephalopathy, brain calcifications, and cysts. Last evaluated: 2020-04-06. Review status: no assertion criteria provided. Collection method: clinical testing. Allele origin: germline. Affected: yes. Observed: 4 variant alleles. Not counted in ClinVar's aggregate classification.

Literature cited by the submitters: PubMed 28177126 (cited by Laboratory of Neurogenetics and Neuroinflammation, Institut Imagine); PubMed 31521395 (cited by Laboratory of Neurogenetics and Neuroinflammation, Institut Imagine).